The following is an entry in ClinVar:

NM_001034853.2(RPGR):c.2341G>A (p.Ala781Thr)

Gene: RPGR (retinitis pigmentosa GTPase regulator; minus strand). Cytogenetic location: Xp11.4.
Variant type: single nucleotide variant.
Coding change: c.2341G>A on transcript NM_001034853.2 (MANE Select); coding-DNA position 2341, G replaced by A.
Protein change: p.Ala781Thr; replaces alanine 781 with threonine.
Molecular consequence: missense variant. On other transcripts: intron variant (8).
Genome position (GRCh38, 1-based): chrX:38,286,658, C>T on the plus strand (G>A on the coding strand, the complement: RPGR is on the minus strand). VCF-style: chrX-38286658-C-T. GRCh37 (hg19) VCF-style: chrX-38145911-C-T.
Other names: NM_001034853.2(RPGR):c.2341G>A; c.1569+4301G>A (NM_001367249.1, NM_001367250.1); c.1902+436G>A (NM_001367245.1); c.1386+4301G>A (NM_001367251.1); c.1719+436G>A (NM_001367246.1); c.1572+4301G>A (NM_001367247.1); c.1905+436G>A (NM_000328.3); c.1602+4301G>A (NM_001367248.1); short protein forms A781T.
Identifiers: ClinVar variation 257193 (VCV000257193.18), dbSNP rs5917557, ClinGen allele CA10385291.

ClinVar aggregate classification (germline): Benign. Review status: reviewed by expert panel (3 of 4 stars). 8 submissions from 8 submitters: Benign (1). 7 of the submissions do not count toward it. Last evaluated 2025-05-20.

Conditions:
RPGR-related retinopathy. Also called: RPGR retinopathy. Identifiers: MedGen CN305589, MONDO:0100437.
Retinal dystrophy. Also called: Inherited retinal dystrophy. Identifiers: Orphanet 71862, MedGen C0854723, MeSH D058499, MONDO:0019118, HP:0000556.
Primary ciliary dyskinesia. Also called: Ciliary dyskinesia. Identifiers: Orphanet 244, MedGen C0008780, MONDO:0016575, HP:0012265.

Allele frequency attached by ClinVar (database versions not stated): 1000 Genomes Project 0.08132; 1000 Genomes Project 30x 0.08554; gnomAD exomes 0.12164 and 0.15981; ExAC 0.12200; gnomAD 0.12872 and 0.13157; TOPMed 0.13532; ESP Exome Variant Server 0.13803.
gnomAD v4.1: 178,285 of 1,131,478 alleles (16%); highest among the groups gnomAD compares: Middle Eastern, 21%; 10,907 homozygotes.

Submissions (8):

ClinGen X-linked Inherited Retinal Disease Variant Curation Expert Panel, ClinGen
Classification: Benign for RPGR-related retinopathy. Last evaluated: 2025-05-20. Review status: reviewed by expert panel. Criteria: ClinGen X LinkedIRD ACMG Specifications RPGR V1.0.0. Collection method: curation. Allele origin: germline. Inheritance: X-linked inheritance.
Comment: NM_001034853.2(RPGR):c.2341G>A (p.Ala781Thr) is a missense variant encoding the substitution of alanine with threonine at amino acid 781. This variant is present in gnomAD v.4.1.0 at a frequency of 0.1538 among hemizygous individuals, with 54,741 variant alleles / 356,024 total alleles, which is higher than the ClinGen X-linked IRD VCEP BA1 threshold of >0.00005 (BA1). This variant has been identified in 13 healthy individuals meeting the BS2 requirement of no electroretinogram defects by the age of 30 years (PMIDs: 12657579, 18552978, 18552978, 32679846, BS2). The computational predictor REVEL gives a score of 0.059, which is below the ClinGen X-linked IRD VCEP threshold of <0.183 and predicts a non-damaging effect on RPGR function. Additionally, the splicing impact predictor SpliceAI gives a delta score of 0.00, which is below the ClinGen X-linked IRD VCEP recommended threshold of <0.1 and does not strongly predict an impact on splicing (BP4_moderate). In summary, this variant is classified as benign for RPGR-related retinopathy based on the ClinGen X-linked Inherited Retinal Disease Expert Panel Specifications to the ACMG/AMP Variant Interpretation Guidelines for RPGR Version 1.0.0; BA1, BS2, and BP4_moderate. (date of approval 05/16/2025).

Labcorp Genetics (formerly Invitae), Labcorp
Classification: Benign for Primary ciliary dyskinesia. Last evaluated: 2026-02-04. Review status: criteria provided, single submitter. Criteria: Invitae Variant Classification Sherloc (09022015). Collection method: clinical testing. Allele origin: germline. Not counted in ClinVar's aggregate classification.

Blueprint Genetics
Classification: Benign. Last evaluated: 2024-11-28. Review status: criteria provided, single submitter. Criteria: ACMG Guidelines, 2015. Collection method: clinical testing. Allele origin: germline. Not counted in ClinVar's aggregate classification.

Dept Of Ophthalmology, Nagoya University
Classification: Benign for Retinal dystrophy. Last evaluated: 2023-10-01. Review status: criteria provided, single submitter. Criteria: Submitter's publication. Collection method: research. Allele origin: germline. Affected: yes. Not counted in ClinVar's aggregate classification.

GeneDx
Classification: Benign. Last evaluated: 2018-05-14. Review status: criteria provided, single submitter. Criteria: GeneDx Variant Classification (06012015). Collection method: clinical testing. Allele origin: germline. Affected: yes. Not counted in ClinVar's aggregate classification.
Comment: This variant is considered likely benign or benign based on one or more of the following criteria: it is a conservative change, it occurs at a poorly conserved position in the protein, it is predicted to be benign by multiple in silico algorithms, and/or has population frequency not consistent with disease.

Laboratory for Molecular Medicine, Mass General Brigham Personalized Medicine
Classification: Benign. Last evaluated: 2016-03-28. Review status: criteria provided, single submitter. Criteria: LMM Criteria. Collection method: clinical testing. Allele origin: germline. Not counted in ClinVar's aggregate classification.
Comment: Variant identified in a genome or exome case(s) and assessed due to predicted null impact of the variant or pathogenic assertions in the literature or databases. Disclaimer: This variant has not undergone full assessment. The following are preliminary notes: Frequency

PreventionGenetics, part of Exact Sciences
Classification: Benign. Last evaluated: 2016-01-29. Review status: criteria provided, single submitter. Criteria: ACMG Guidelines, 2015. Collection method: clinical testing. Allele origin: germline. Not counted in ClinVar's aggregate classification.

Breakthrough Genomics
Classification: Benign. Review status: criteria provided, single submitter. Criteria: ACMG Guidelines, 2015. Collection method: not provided. Allele origin: germline. Inheritance: X-linked inheritance. Affected: yes. Not counted in ClinVar's aggregate classification.